The following is an entry in ClinVar:

ClinVar aggregate classification (germline): Uncertain significance (1 of 4 stars; one submission).

Submission:

GeneDx
Classification: Uncertain significance. Last evaluated: 2026-03-31. Review status: criteria provided, single submitter. Criteria: GeneDx Variant Classification Process June 2021. Collection method: clinical testing. Allele origin: germline.
Comment: Not observed at significant frequency in large population cohorts (gnomAD); In silico analysis supports that this missense variant has a deleterious effect on protein structure/function; Has not been previously published as pathogenic or benign to our knowledge

NM_001287491.2(TET3):c.4030G>A (p.Ala1344Thr)

Gene: TET3 (tet methylcytosine dioxygenase 3; plus strand). Cytogenetic location: 2p13.1.
Variant type: single nucleotide variant.
Coding change: c.4030G>A on transcript NM_001287491.2 (MANE Select); coding-DNA position 4030, G replaced by A.
Protein change: p.Ala1344Thr; replaces alanine 1344 with threonine.
Molecular consequence: missense variant.
Genome position (GRCh38, 1-based): chr2:74,100,818, G>A. VCF-style: chr2-74100818-G-A. GRCh37 (hg19) VCF-style: chr2-74327945-G-A.
Other names: c.3751G>A, p.Ala1251Thr (NM_001366022.1); short protein forms A1251T, A1344T.
Identifiers: ClinVar variation 5018075 (VCV005018075.1).